The following is an entry in ClinVar:

NM_001205293.3(CACNA1E):c.2855T>A (p.Met952Lys)

Gene: CACNA1E (calcium voltage-gated channel subunit alpha1 E; plus strand). Cytogenetic location: 1q25.3.
Variant type: single nucleotide variant.
Coding change: c.2855T>A on transcript NM_001205293.3 (MANE Select); coding-DNA position 2855, T replaced by A.
Protein change: p.Met952Lys; replaces methionine 952 with lysine.
Molecular consequence: missense variant.
Genome position (GRCh38, 1-based): chr1:181,732,941, T>A. VCF-style: chr1-181732941-T-A. GRCh37 (hg19) VCF-style: chr1-181702077-T-A.
Other names: c.2855T>A, p.Met952Lys (NM_000721.4); c.2798T>A, p.Met933Lys (NM_001205294.2); short protein forms M933K, M952K.
Identifiers: ClinVar variation 4772955 (VCV004772955.1).

ClinVar aggregate classification (germline): Uncertain significance (1 of 4 stars; one submission).

Submission:

Labcorp Genetics (formerly Invitae), Labcorp
Classification: Uncertain significance. Last evaluated: 2025-03-23. Review status: criteria provided, single submitter. Criteria: Invitae Variant Classification Sherloc (09022015). Collection method: clinical testing. Allele origin: germline.
Comment: This sequence change replaces methionine, which is neutral and non-polar, with lysine, which is basic and polar, at codon 952 of the CACNA1E protein (p.Met952Lys). This variant is not present in population databases (gnomAD no frequency). This variant has not been reported in the literature in individuals affected with CACNA1E-related conditions. Invitae Evidence Modeling of protein sequence and biophysical properties (such as structural, functional, and spatial information, amino acid conservation, physicochemical variation, residue mobility, and thermodynamic stability) indicates that this missense variant is not expected to disrupt CACNA1E protein function with a negative predictive value of 95%. In summary, the available evidence is currently insufficient to determine the role of this variant in disease. Therefore, it has been classified as a Variant of Uncertain Significance.